The following is an entry in ClinVar:

ClinVar aggregate classification (germline): Uncertain significance. Review status: criteria provided, single submitter (1 of 4 stars). 2 submissions from 1 submitter: Uncertain significance (2). Last evaluated 2023-08-17.

Conditions:
Neuronopathy, distal hereditary motor, type 2D. Also called: NEURONOPATHY, DISTAL HEREDITARY MOTOR, AUTOSOMAL DOMINANT 6; NEURONOPATHY, DISTAL HEREDITARY MOTOR, HARDING TYPE IID; NEUROPATHY, DISTAL HEREDITARY MOTOR, HARDING TYPE IID; HMN IID; SPINAL MUSCULAR ATROPHY, DISTAL, AUTOSOMAL DOMINANT, CALF-PREDOMINANT. Identifiers: Orphanet 139525, MedGen C3888271, MONDO:0014259, OMIM 615575.
Distal hereditary motor neuropathy type 2. Identifiers: Orphanet 139525, MedGen C3711384, MeSH C580044, MONDO:0015352.

Submissions (2):

Labcorp Genetics (formerly Invitae), Labcorp
Classification: Uncertain significance for Distal hereditary motor neuropathy type 2. Last evaluated: 2023-08-17. Review status: criteria provided, single submitter. Criteria: Invitae Variant Classification Sherloc (09022015). Collection method: clinical testing. Allele origin: germline.
Comment: In summary, the available evidence is currently insufficient to determine the role of this variant in disease. Therefore, it has been classified as a Variant of Uncertain Significance. Experimental studies and prediction algorithms are not available or were not evaluated, and the functional significance of this variant is currently unknown. This variant has not been reported in the literature in individuals affected with FBXO38-related conditions. This variant results in a copy number gain of the genomic region encompassing exon(s) 2-7 of the FBXO38 gene. This region includes the initiator codon of the gene. This copy number gain extends beyond the assayed region for this gene and therefore may encompass additional genes. As the precise location of this event is unknown, it may be in tandem or it may be located elsewhere in the genome.

Labcorp Genetics (formerly Invitae), Labcorp
Classification: Uncertain significance for Distal hereditary motor neuropathy type 2. Last evaluated: 2019-11-19. Review status: criteria provided, single submitter. Criteria: Invitae Variant Classification Sherloc (09022015). Collection method: clinical testing. Allele origin: germline.
Comment: This variant results in a copy number gain of the genomic region encompassing exons 2-7 of the FBXO38 gene, which includes the initiator codon. The 5' end of this event is unknown as it extends beyond the assayed region for this gene and therefore may encompass additional genes. The 3' boundary is likely confined to intron 7 of the FBXO38 gene. As the precise location of this event is unknown, it may be in tandem or it may be located elsewhere in the genome. This variant has not been reported in the literature in individuals with FBXO38-related conditions. Experimental studies and prediction algorithms are not available or were not evaluated, and the functional significance of this variant is currently unknown. In summary, the available evidence is currently insufficient to determine the role of this variant in disease. Therefore, it has been classified as a Variant of Uncertain Significance.

NC_000005.10:g.(?_148394767)_(148406404_?)dup

Gene: FBXO38 (F-box protein 38; plus strand). Cytogenetic location: 5q32.
Variant type: Duplication.
Identifiers: ClinVar variation 831074 (VCV000831074.6).